The following is an entry in ClinVar:

ClinVar aggregate classification (germline): Likely pathogenic (1 of 4 stars; one submission).

Submission:

GeneDx
Classification: Likely pathogenic. Last evaluated: 2018-02-07. Review status: criteria provided, single submitter. Criteria: GeneDx Variant Classification (06012015). Collection method: clinical testing. Allele origin: germline. Affected: yes.
Comment: The c.4956delC variant in the EPG5 gene has been not been reported previously as a pathogenic variant nor as a benign variant, to our knowledge. The c.4956delC variant results in the replacement of the normal Leucine residue at position 1653 with a premature Stop codon, denoted p.L1653X. It is predicted to cause abnormal gene splicing, either leading to an abnormal message that is subject to nonsense-mediated mRNA decay, or to an abnormal protein product if the message is used for protein translation. The c.4956delC variant is not observed in large population cohorts (Lek et al., 2016). We interpret c.4956delC as a likely pathogenic variant.

NM_020964.3(EPG5):c.4956del (p.Ala1652_Leu1653insTer)

Gene: EPG5 (ectopic P-granules 5 autophagy tethering factor; minus strand). Cytogenetic location: 18q12.3.
Variant type: Deletion.
Coding change: c.4956del on transcript NM_020964.3 (MANE Select); coding-DNA position 4956, one base deleted (C; older notation c.4956delC).
Protein change: p.Ala1652_Leu1653insTer.
Molecular consequence: frameshift variant.
Genome position (GRCh38, 1-based): chr18:45,887,904, G deleted on the plus strand (C on the coding strand, the reverse complement: EPG5 is on the minus strand); the first of 2 consecutive G bases (chr18:45,887,904-45,887,905); deleting either gives the same sequence. VCF-style (leftmost placement, unchanged base first): chr18-45887903-AG-A. GRCh37 (hg19) VCF-style: chr18-43467868-AG-A.
Other names: c.4956del, p.Ala1652_Leu1653insTer (LRG_1234t1).
Identifiers: ClinVar variation 504279 (VCV000504279.2), dbSNP rs1555668791, ClinGen allele CA658799045.